The following is an entry in ClinVar:

ClinVar aggregate classification (germline): Uncertain significance (1 of 4 stars; one submission).

Conditions:
Inborn genetic diseases. Identifiers: MedGen C0950123, MeSH D030342.

Submission:

Ambry Genetics
Classification: Uncertain significance for Inborn genetic diseases. Last evaluated: 2025-08-02. Review status: criteria provided, single submitter. Criteria: Ambry Variant Classification Scheme 2023. Collection method: clinical testing. Allele origin: germline.
Comment: The p.E160G variant (also known as c.479A>G), located in coding exon 5 of the BUB1B gene, results from an A to G substitution at nucleotide position 479. The glutamic acid at codon 160 is replaced by glycine, an amino acid with similar properties. This amino acid position is conserved. In addition, the in silico prediction for this alteration is inconclusive. Based on the available evidence, the clinical significance of this variant remains unclear.

NM_001211.6(BUB1B):c.479A>G (p.Glu160Gly)

Gene: BUB1B (BUB1 mitotic checkpoint serine/threonine kinase B; plus strand). Cytogenetic location: 15q15.1.
Variant type: single nucleotide variant.
Coding change: c.479A>G on transcript NM_001211.6 (MANE Select); coding-DNA position 479, A replaced by G.
Protein change: p.Glu160Gly; replaces glutamic acid 160 with glycine.
Molecular consequence: missense variant.
Genome position (GRCh38, 1-based): chr15:40,176,571, A>G. VCF-style: chr15-40176571-A-G. GRCh37 (hg19) VCF-style: chr15-40468772-A-G.
Other names: short protein forms E160G.
Identifiers: ClinVar variation 4216958 (VCV004216958.1).
Genomic context (GRCh38, chr15:40,176,571, plus strand): 5'-GTTACTTGCACAACCAAGGGATTGGTGTTTCACTTGCTCAGTTCTATATCTCATGGGCAG[A>G]AGAATATGAAGCTAGAGAAAACTTTAGGAAAGCAGATGCGATATTTCAGGAAGGGATTCA-3'
Protein context (NP_001202.5, residues 150-170): SLAQFYISWA[Glu160Gly]EYEARENFRK